The following is an entry in ClinVar:

NM_001367624.2(ZNF469):c.2008C>T (p.Pro670Ser)

Gene: ZNF469 (zinc finger protein 469; plus strand). Cytogenetic location: 16q24.2.
Variant type: single nucleotide variant.
Coding change: c.2008C>T on transcript NM_001367624.2 (MANE Select); coding-DNA position 2008, C replaced by T.
Protein change: p.Pro670Ser; replaces proline 670 with serine.
Molecular consequence: missense variant.
Genome position (GRCh38, 1-based): chr16:88,429,478, C>T. VCF-style: chr16-88429478-C-T. GRCh37 (hg19) VCF-style: chr16-88495886-C-T.
Other names: NM_001127464.1:c.2008C>T; short protein forms P670S.
Identifiers: ClinVar variation 3232764 (VCV003232764.1), dbSNP rs1184532367, ClinGen allele CA397069555.
Genomic context (GRCh38, chr16:88,429,478, plus strand): 5'-TCCCCGGAGCCCCCCCACTCCCTCCCCACCCACTACCAGCCAGAGCCAGCCAAGGCCTTC[C>T]CTTTTCCCGCAGATGGGCTGGGAGCCGAGGGTGCCTTCCAGTGCCTGGAGGAGACCCCAT-3'
Protein context (NP_001354553.1, residues 660-680): HYQPEPAKAF[Pro670Ser]FPADGLGAEG

ClinVar aggregate classification (germline): Uncertain significance (1 of 4 stars; one submission).

Conditions:
Cardiovascular phenotype. Identifiers: MedGen CN230736.

Allele frequency attached by ClinVar (database versions not stated): gnomAD exomes below 0.00001; gnomAD 0.00001; 1000 Genomes Project 30x 0.00016.
gnomAD v4.1: 2 of 1,550,052 alleles (0.00013%); highest among the groups gnomAD compares: Admixed American, 0.0039%; no homozygotes.

Submission:

Ambry Genetics
Classification: Uncertain significance for Cardiovascular phenotype. Last evaluated: 2024-03-13. Review status: criteria provided, single submitter. Criteria: Ambry Variant Classification Scheme 2023. Collection method: clinical testing. Allele origin: germline.
Comment: The p.P670S variant (also known as c.2008C>T), located in coding exon 1 of the ZNF469 gene, results from a C to T substitution at nucleotide position 2008. The proline at codon 670 is replaced by serine, an amino acid with similar properties. This amino acid position is conserved. In addition, this alteration is predicted to be tolerated by in silico analysis. Based on the available evidence, the clinical significance of this alteration remains unclear.